The following is an entry in ClinVar:

ClinVar aggregate classification (germline): Likely benign (1 of 4 stars; one submission).

Conditions:
Amelocerebrohypohidrotic syndrome (KTZS). Also called: Kohlschutter's syndrome; EPILEPSY AND YELLOW TEETH; EPILEPSY, DEMENTIA, AND AMELOGENESIS IMPERFECTA; KOHLSCHUTTER SYNDROME. Identifiers: Orphanet 1946, MedGen C0406740, MONDO:0009185, OMIM 226750.

gnomAD v4.1: 4 of 1,278,502 alleles (0.00031%); highest among the groups gnomAD compares: Non-Finnish European, 0.0004%; no homozygotes.

Submission:

Centre for Mendelian Genomics, University Medical Centre Ljubljana
Classification: Likely benign for Amelocerebrohypohidrotic syndrome. Last evaluated: 2019-08-29. Review status: criteria provided, single submitter. Criteria: ACMG Guidelines, 2015. Collection method: clinical testing. Allele origin: unknown. Affected: yes.
Comment: This variant was classified as: Likely benign. The following ACMG criteria were applied in classifying this variant: PM2,BP1,BP4.

NM_024589.3(ROGDI):c.29C>G (p.Ala10Gly)

Gene: ROGDI (rogdi atypical leucine zipper; minus strand). Cytogenetic location: 16p13.3.
Variant type: single nucleotide variant.
Coding change: c.29C>G on transcript NM_024589.3 (MANE Select); coding-DNA position 29, C replaced by G.
Protein change: p.Ala10Gly; replaces alanine 10 with glycine.
Molecular consequence: missense variant. On other transcripts: non-coding transcript variant (1).
Genome position (GRCh38, 1-based): chr16:4,802,543, G>C on the plus strand (C>G on the coding strand, the complement: ROGDI is on the minus strand). VCF-style: chr16-4802543-G-C. GRCh37 (hg19) VCF-style: chr16-4852544-G-C.
Other names: short protein forms A10G.
Identifiers: ClinVar variation 930798 (VCV000930798.3), dbSNP rs1324617654, ClinGen allele CA394656847.